The following is an entry in ClinVar:

NM_182699.4(DDX53):c.1284_1289delinsATG (p.Tyr429_Val430delinsCys)

Genes: DDX53 (DEAD-box helicase 53; plus strand), PTCHD1-AS (PTCHD1 and PHEX antisense RNA; minus strand). Cytogenetic location: Xp22.11.
Variant type: Indel.
Coding change: c.1284_1289delinsATG on transcript NM_182699.4 (MANE Select); coding-DNA positions 1284 to 1289, TTATGT replaced by ATG.
Protein change: p.Tyr429_Val430delinsCys.
Molecular consequence: inframe indel.
Genome position (GRCh38, 1-based): chrX:23,001,341-23,001,346, TTATGT replaced by ATG. VCF-style: chrX-23001341-TTATGT-ATG. GRCh37 (hg19) VCF-style: chrX-23019458-TTATGT-ATG.
Identifiers: ClinVar variation 4278912 (VCV004278912.2).
Genomic context (GRCh38, chrX:23,001,341, plus strand): 5'-AACTTGGCCAGATACTGTACGTCAACTAGCACTTTCTTATTTGAAAGATCCTATGATTGT[TTATGT>ATG]TGGTAATCTGAATCTAGTGGCTGTAAATACAGTGAAGCAAAATATAATTGTTACCACAGA-3'

ClinVar aggregate classification (germline): Uncertain significance (1 of 4 stars; one submission).

Submission:

GeneDx
Classification: Uncertain significance. Last evaluated: 2026-06-20. Review status: criteria provided, single submitter. Criteria: GeneDx Variant Classification Process June 2021. Collection method: clinical testing. Allele origin: germline.
Comment: In-frame deletion of 2 amino acids and insertion of 1 different amino acid in a non-repeat region; In silico analysis suggests that this variant does not alter protein structure/function; Has not been previously published as pathogenic or benign to our knowledge